The following is an entry in ClinVar:

NM_172240.3(POC1B):c.247del (p.Thr83fs)

Genes: POC1B (POC1 centriolar protein B; minus strand), POC1B-DUSP6 (POC1B-DUSP6 readthrough; minus strand). Cytogenetic location: 12q21.33.
Variant type: Deletion.
Coding change: c.247del on transcript NM_172240.3 (MANE Select); coding-DNA position 247, one base deleted (A; older notation c.247delA).
Protein change: p.Thr83fs; shifts the reading frame from threonine 83.
Molecular consequence: frameshift variant.
Genome position (GRCh38, 1-based): chr12:89,497,196, T deleted on the plus strand (A on the coding strand, the reverse complement: POC1B is on the minus strand); the first of 2 consecutive T bases (chr12:89,497,196-89,497,197); deleting either gives the same sequence. VCF-style (leftmost placement, unchanged base first): chr12-89497195-GT-G. GRCh37 (hg19) VCF-style: chr12-89890972-GT-G.
Other names: c.121del, p.Thr41fs (NM_001199777.2); short protein forms T41fs, T83fs.
Identifiers: ClinVar variation 1070499 (VCV001070499.7), dbSNP rs1219608074, ClinGen allele CA606470603.
Genomic context (GRCh38, chr12:89,497,195, plus strand): 5'-TCCAAAGGATATCAAGTGTTTCTTTGTTTCTCTTACTTATCAGGAATCCAGAGTCTCACG[GT>G]TCTGTCTCGTGAGGCAGACGCCAATAAGTTTCCATGTGGAGAAAACTGCACGCTGGTTAC-3'

ClinVar aggregate classification (germline): Pathogenic (1 of 4 stars; one submission).

Submission:

Labcorp Genetics (formerly Invitae), Labcorp
Classification: Pathogenic. Last evaluated: 2024-11-16. Review status: criteria provided, single submitter. Criteria: Invitae Variant Classification Sherloc (09022015). Collection method: clinical testing. Allele origin: germline.
Comment: This sequence change creates a premature translational stop signal (p.Thr83Profs*2) in the POC1B gene. It is expected to result in an absent or disrupted protein product. Loss-of-function variants in POC1B are known to be pathogenic (PMID: 25018096, 29220607). This variant is present in population databases (no rsID available, gnomAD 0.0009%). This variant has not been reported in the literature in individuals affected with POC1B-related conditions. ClinVar contains an entry for this variant (Variation ID: 1070499). For these reasons, this variant has been classified as Pathogenic.

Literature cited by the submitters: PubMed 25018096; PubMed 29220607.